The following is an entry in ClinVar:

ClinVar aggregate classification (germline): Uncertain significance (1 of 4 stars; one submission).

Submission:

Labcorp Genetics (formerly Invitae), Labcorp
Classification: Uncertain significance. Last evaluated: 2024-03-07. Review status: criteria provided, single submitter. Criteria: Invitae Variant Classification Sherloc (09022015). Collection method: clinical testing. Allele origin: germline.
Comment: This sequence change replaces methionine, which is neutral and non-polar, with isoleucine, which is neutral and non-polar, at codon 1202 of the DUOX2 protein (p.Met1202Ile). This variant is not present in population databases (gnomAD no frequency). This variant has not been reported in the literature in individuals affected with DUOX2-related conditions. Advanced modeling of protein sequence and biophysical properties (such as structural, functional, and spatial information, amino acid conservation, physicochemical variation, residue mobility, and thermodynamic stability) performed at Invitae indicates that this missense variant is not expected to disrupt DUOX2 protein function with a negative predictive value of 80%. In summary, the available evidence is currently insufficient to determine the role of this variant in disease. Therefore, it has been classified as a Variant of Uncertain Significance.

NM_001363711.2(DUOX2):c.3606G>A (p.Met1202Ile)

Gene: DUOX2 (dual oxidase 2; minus strand). Cytogenetic location: 15q21.1.
Variant type: single nucleotide variant.
Coding change: c.3606G>A on transcript NM_001363711.2 (MANE Select); coding-DNA position 3606, G replaced by A.
Protein change: p.Met1202Ile; replaces methionine 1202 with isoleucine.
Molecular consequence: missense variant.
Genome position (GRCh38, 1-based): chr15:45,097,701, C>T on the plus strand (G>A on the coding strand, the complement: DUOX2 is on the minus strand). VCF-style: chr15-45097701-C-T. GRCh37 (hg19) VCF-style: chr15-45389899-C-T.
Other names: c.3606G>A, p.Met1202Ile (NM_014080.5); short protein forms M1202I.
Identifiers: ClinVar variation 3692424 (VCV003692424.2).